The following is an entry in ClinVar:

NM_000038.6(APC):c.6865A>C (p.Thr2289Pro)

Gene: APC (APC regulator of Wnt signaling pathway; plus strand). Cytogenetic location: 5q22.2.
Variant type: single nucleotide variant.
Coding change: c.6865A>C on transcript NM_000038.6 (MANE Select); coding-DNA position 6865, A replaced by C.
Protein change: p.Thr2289Pro; replaces threonine 2289 with proline.
Molecular consequence: missense variant. On other transcripts: non-coding transcript variant (2).
Genome position (GRCh38, 1-based): chr5:112,842,459, A>C. VCF-style: chr5-112842459-A-C. GRCh37 (hg19) VCF-style: chr5-112178156-A-C.
Other names: c.6562A>C, p.Thr2188Pro (NM_001407460.1, NM_001407458.1, NM_001407459.1 and 1 more transcripts); c.6478A>C, p.Thr2160Pro (NM_001407467.1, NM_001407469.1); c.6016A>C, p.Thr2006Pro (NM_001407470.1, NM_001354906.2); c.5713A>C, p.Thr1905Pro (NM_001407471.1, NM_001407472.1); c.6865A>C, p.Thr2289Pro (NM_001127510.3, NM_001354895.2, NM_001407450.1); c.6811A>C, p.Thr2271Pro (NM_001127511.3); c.6919A>C, p.Thr2307Pro (NM_001354896.2, NM_001407447.1, NM_001407448.1 and 1 more transcripts); c.6895A>C, p.Thr2299Pro (NM_001354897.2); and 11 more; short protein forms T2129P, T2160P, T2289P, T2230P, T2248P, T2264P, T2271P, T2279P.
Identifiers: ClinVar variation 4584721 (VCV004584721.3).

ClinVar aggregate classification (germline): Uncertain significance. Review status: criteria provided, multiple submitters, no conflicts (2 of 4 stars). 2 submissions from 2 submitters: Uncertain significance (2). Last evaluated 2025-10-27.

Conditions:
Hereditary cancer-predisposing syndrome. Also called: Neoplastic Syndromes, Hereditary; Tumor predisposition; Hereditary neoplastic syndrome; Hereditary Cancer Syndrome. Identifiers: Orphanet 140162, MedGen C0027672, MeSH D009386, MONDO:0015356.

Submissions (2):

Ambry Genetics
Classification: Uncertain significance for Hereditary cancer-predisposing syndrome. Last evaluated: 2025-10-27. Review status: criteria provided, single submitter. Criteria: Ambry Variant Classification Scheme 2023. Collection method: clinical testing. Allele origin: germline.
Comment: The p.T2289P variant (also known as c.6865A>C), located in coding exon 15 of the APC gene, results from an A to C substitution at nucleotide position 6865. The threonine at codon 2289 is replaced by proline, an amino acid with highly similar properties. This amino acid position is not well conserved in available vertebrate species. In addition, in silico predictors for this gene do not accurately predict pathogenicity. Missense variants in APC are not a common cause of disease (Spier I et al. Genet Med. 2024 Feb;26(2):100992). Based on the available evidence, the clinical significance of this variant remains unclear.

Dasa
Classification: Uncertain significance. Last evaluated: 2025-05-26. Review status: criteria provided, single submitter. Criteria: DASA Assertion Criteria. Collection method: clinical testing. Allele origin: germline.
Comment: NM_000038.6(APC):c.6865A>C (p.Thr2289Pro) is a missense variant that results in the substitution of threonine with proline. This variant is absent from population databases. The currently available literature and clinical evidence are not sufficient to establish a definitive association between this variant and the reported condition. Therefore, this variant is classified as a variant of uncertain significance.